The following is an entry in ClinVar:

NM_001130965.3(SUN1):c.607G>A (p.Ala203Thr)

Gene: SUN1 (Sad1 and UNC84 domain containing 1; plus strand). Cytogenetic location: 7p22.3.
Variant type: single nucleotide variant.
Coding change: c.607G>A on transcript NM_001130965.3 (MANE Select); coding-DNA position 607, G replaced by A.
Protein change: p.Ala203Thr; replaces alanine 203 with threonine.
Molecular consequence: missense variant. On other transcripts: synonymous variant (1), 5 prime UTR variant (1), non-coding transcript variant (3), intron variant (1).
Genome position (GRCh38, 1-based): chr7:843,469, G>A. VCF-style: chr7-843469-G-A. GRCh37 (hg19) VCF-style: chr7-883106-G-A.
Other names: c.607G>A (NM_001130965.2); c.607G>A, p.Ala203Thr (NM_001367683.1, NM_001367685.1, NM_001367687.1 and 32 more transcripts); c.457G>A, p.Ala153Thr (NM_001367684.1, NM_001367686.1, NM_001367689.1 and 23 more transcripts); c.670G>A, p.Ala224Thr (NM_001171945.2); c.150G>A, p.Pro50= (NM_001367635.1); c.40G>A, p.Ala14Thr (NM_001367639.1, NM_001367708.1); c.826G>A, p.Ala276Thr (NM_001367651.1); c.-155G>A (NM_001367658.1); and 3 more; short protein forms A276T, A14T, A140T, A153T, A203T, A212T, A224T.
Identifiers: ClinVar variation 1515836 (VCV001515836.7), dbSNP rs370867004, ClinGen allele CA4111613.

ClinVar aggregate classification (germline): Uncertain significance. Review status: criteria provided, multiple submitters, no conflicts (2 of 4 stars). 2 submissions from 2 submitters: Uncertain significance (2). Last evaluated 2025-07-15.

Conditions:
Emery-Dreifuss muscular dystrophy (EDMD). Also called: Scapuloperoneal syndrome, X-linked (formerly); Humeroperoneal neuromuscular disease, (formerly). Identifiers: Orphanet 261, MedGen C0410189, MONDO:0016830.

Allele frequency attached by ClinVar (database versions not stated): ExAC 0.00001; gnomAD 0.00001 and 0.00002; gnomAD exomes 0.00001 and 0.00002; TOPMed 0.00003; ESP Exome Variant Server 0.00008.
gnomAD v4.1: 29 of 1,613,936 alleles (0.0018%); highest among the groups gnomAD compares: East Asian, 0.036%; no homozygotes.

Submissions (2):

Ambry Genetics
Classification: Uncertain significance. Last evaluated: 2025-07-15. Review status: criteria provided, single submitter. Criteria: Ambry Variant Classification Scheme 2023. Collection method: clinical testing. Allele origin: germline.

Labcorp Genetics (formerly Invitae), Labcorp
Classification: Uncertain significance for Emery-Dreifuss muscular dystrophy. Last evaluated: 2021-08-18. Review status: criteria provided, single submitter. Criteria: Invitae Variant Classification Sherloc (09022015). Collection method: clinical testing. Allele origin: germline.
Comment: In summary, the available evidence is currently insufficient to determine the role of this variant in disease. Therefore, it has been classified as a Variant of Uncertain Significance. Algorithms developed to predict the effect of missense changes on protein structure and function output the following: SIFT: "Tolerated"; PolyPhen-2: "Benign"; Align-GVGD: "Class C0". The threonine amino acid residue is found in multiple mammalian species, which suggests that this missense change does not adversely affect protein function. This variant has not been reported in the literature in individuals affected with SUN1-related conditions. This variant is present in population databases (rs370867004, ExAC 0.002%). This sequence change replaces alanine with threonine at codon 203 of the SUN1 protein (p.Ala203Thr). The alanine residue is moderately conserved and there is a small physicochemical difference between alanine and threonine.